The following is an entry in ClinVar:

NM_000303.3(PMM2):c.72del (p.Thr25fs)

Gene: PMM2 (phosphomannomutase 2; plus strand). Cytogenetic location: 16p13.2.
Variant type: Deletion.
Coding change: c.72del on transcript NM_000303.3 (MANE Select); coding-DNA position 72, one base deleted (T; older notation c.72delT).
Protein change: p.Thr25fs; shifts the reading frame from threonine 25.
Molecular consequence: frameshift variant.
Genome position (GRCh38, 1-based): chr16:8,801,804, T deleted; the last of 2 consecutive T bases (chr16:8,801,803-8,801,804); deleting either gives the same sequence. VCF-style (leftmost placement, unchanged base first): chr16-8801802-AT-A. GRCh37 (hg19) VCF-style: chr16-8895659-AT-A.
Other names: c.72del (NM_000303.2); c.72delT (NM_000303.2); short protein forms T25fs.
Identifiers: ClinVar variation 1070199 (VCV001070199.14), dbSNP rs2060617981, ClinGen allele CA493508803.

ClinVar aggregate classification (germline): Pathogenic/Likely pathogenic. Review status: criteria provided, multiple submitters, no conflicts (2 of 4 stars). 4 submissions from 4 submitters: Pathogenic (1); Likely pathogenic (3). Last evaluated 2026-02-04.

Conditions:
PMM2-congenital disorder of glycosylation. Also called: CDG Ia; JAEKEN SYNDROME; PHOSPHOMANNOMUTASE 2 DEFICIENCY; CARBOHYDRATE-DEFICIENT GLYCOPROTEIN SYNDROME, TYPE Ia; Congenital disorder of glycosylation, type Ia; PMM2-CDG. Identifiers: Orphanet 79318, MedGen C0349653, MONDO:0008907, OMIM 212065.

Submissions (4):

GeneDx
Classification: Likely pathogenic. Last evaluated: 2026-02-04. Review status: criteria provided, single submitter. Criteria: GeneDx Variant Classification Process June 2021. Collection method: clinical testing. Allele origin: germline.
Comment: Frameshift variant predicted to result in protein truncation or nonsense mediated decay in a gene for which loss of function is a known mechanism of disease; Not observed at significant frequency in large population cohorts (gnomAD); Has not been previously published as pathogenic or benign to our knowledge

Natera, Inc.
Classification: Likely pathogenic for Congenital disorder of glycosylation type 1a. Last evaluated: 2024-12-30. Review status: criteria provided, single submitter. Criteria: Natera Variant Classification Schema (03/2026). Collection method: clinical testing. Allele origin: germline.
Comment: The c.72delT variant in PMM2 is a frameshift variant predicted to shift the reading frame beginning at codon 25 and leads to a stop codon 11 codons downstream. This variant is expected to result in nonsense mediated decay, truncation, or a dysfunctional protein product. This variant is rare in the general population with a frequency below the threshold expected for the associated phenotype(s). Given the available evidence, this variant is classified as Likely Pathogenic.

Labcorp Genetics (formerly Invitae), Labcorp
Classification: Pathogenic for PMM2-congenital disorder of glycosylation. Last evaluated: 2024-02-25. Review status: criteria provided, single submitter. Criteria: Invitae Variant Classification Sherloc (09022015). Collection method: clinical testing. Allele origin: germline.
Comment: This sequence change creates a premature translational stop signal (p.Thr25Profs*11) in the PMM2 gene. It is expected to result in an absent or disrupted protein product. Loss-of-function variants in PMM2 are known to be pathogenic (PMID: 19862844). This variant is not present in population databases (gnomAD no frequency). This variant has not been reported in the literature in individuals affected with PMM2-related conditions. ClinVar contains an entry for this variant (Variation ID: 1070199). For these reasons, this variant has been classified as Pathogenic.

Fulgent Genetics
Classification: Likely pathogenic for PMM2-congenital disorder of glycosylation. Last evaluated: 2024-01-28. Review status: criteria provided, single submitter. Criteria: ACMG Guidelines, 2015. Collection method: clinical testing. Allele origin: germline.

Literature cited by the submitters: PubMed 19862844 (cited by Labcorp Genetics (formerly Invitae), Labcorp).